The following is an entry in ClinVar:

ClinVar aggregate classification (germline): Likely benign (1 of 4 stars; one submission).

Allele frequency attached by ClinVar (database versions not stated): 1000 Genomes Project 30x 0.00281; 1000 Genomes Project 0.00319; TOPMed 0.00449; gnomAD 0.00539; ExAC 0.00611; ESP Exome Variant Server 0.00647; gnomAD exomes 0.00741.
gnomAD v4.1: 11,497 of 1,614,180 alleles (0.71%); highest among the groups gnomAD compares: Non-Finnish European, 0.83%; 61 homozygotes.

Submission:

CeGaT Center for Human Genetics Tuebingen
Classification: Likely benign. Last evaluated: 2025-09-01. Review status: criteria provided, single submitter. Criteria: CeGaT Center For Human Genetics Tuebingen Variant Classification Criteria Version 2. Collection method: clinical testing. Allele origin: germline. Affected: yes. Observed: 3 variant alleles.
Comment: YEATS2: BP4, BS2

NM_018023.5(YEATS2):c.2077G>T (p.Val693Leu)

Gene: YEATS2 (YEATS domain containing 2; plus strand). Cytogenetic location: 3q27.1.
Variant type: single nucleotide variant.
Coding change: c.2077G>T on transcript NM_018023.5 (MANE Select); coding-DNA position 2077, G replaced by T.
Protein change: p.Val693Leu; replaces valine 693 with leucine.
Molecular consequence: missense variant.
Genome position (GRCh38, 1-based): chr3:183,772,434, G>T. VCF-style: chr3-183772434-G-T. GRCh37 (hg19) VCF-style: chr3-183490222-G-T.
Other names: c.2077G>T, p.Val693Leu (NM_001351369.2, NM_001351371.2); c.2080G>T, p.Val694Leu (NM_001351370.2); short protein forms V693L, V694L.
Identifiers: ClinVar variation 2654299 (VCV002654299.24), dbSNP rs116616592, ClinGen allele CA2722467.
Genomic context (GRCh38, chr3:183,772,434, plus strand): 5'-CAGATCCTGGTAGCCAAGGCCAGCTCTTCTGTCTCCAAAGCAGTTGGGCCAAAGCAAGTT[G>T]TAACCCAAGGAGTTGCCAAAGCAATTGTGAGTGGAGGTGGAGGAACCATTGTTGCTCAGC-3'
Protein context (NP_060493.3, residues 683-703): VSKAVGPKQV[Val693Leu]TQGVAKAIVS